The following is an entry in ClinVar:

ClinVar aggregate classification (germline): Conflicting classifications of pathogenicity. Review status: criteria provided, conflicting classifications (1 of 4 stars). 2 submissions from 2 submitters: Likely pathogenic (1); Uncertain significance (1). Last evaluated 2026-09-17.

Conditions:
CFI-related disorder. Also called: CFI-related condition; CFI-related disorders. Identifiers: MedGen CN239325.

Allele frequency attached by ClinVar (database versions not stated): gnomAD exomes below 0.00001 and 0.00004; TOPMed below 0.00001; ExAC 0.00005.
gnomAD v4.1: 5 of 1,614,054 alleles (0.00031%); highest among the groups gnomAD compares: East Asian, 0.0089%; no homozygotes.

Submissions (2):

Genomenon, Inc
Classification: Likely pathogenic for CFI-related disorder. Last evaluated: 2026-09-17. Review status: criteria provided, single submitter. Criteria: Genomenon Sequence Variant Interpretation Standards - Updated. Collection method: curation. Allele origin: germline. Affected: yes.
Comment: CFI p.Gly516Val (c.1547G>T) is a missense variant that changes the amino acid at codon 516 from Glycine to Valine. This variant has been observed in at least one proband affected with a CFI-related disorder (PMID:37744338;33609329;29566171). This variant is located in a mutational hotspot and/or important functional domain. It is absent or not present at a significant frequency in gnomAD. In silico models predict that this variant is possibly or probably damaging. In conclusion, we classify CFI p.Gly516Val (c.1547G>T) as a likely pathogenic variant.

Labcorp Genetics (formerly Invitae), Labcorp
Classification: Uncertain significance. Last evaluated: 2026-01-12. Review status: criteria provided, single submitter. Criteria: Invitae Variant Classification Sherloc (09022015). Collection method: clinical testing. Allele origin: germline.
Comment: This sequence change replaces glycine, which is neutral and non-polar, with valine, which is neutral and non-polar, at codon 516 of the CFI protein (p.Gly516Val). This variant is present in population databases (rs764347930, gnomAD 0.05%). This missense change has been observed in individual(s) with atypical hemolytic uremic syndrome and/or C3 glomerulopathy (PMID: 29566171, 33609329, 37744338). ClinVar contains an entry for this variant (Variation ID: 1431614). Invitae Evidence Modeling of protein sequence and biophysical properties (such as structural, functional, and spatial information, amino acid conservation, physicochemical variation, residue mobility, and thermodynamic stability) indicates that this missense variant is expected to disrupt CFI protein function with a positive predictive value of 80%. In summary, the available evidence is currently insufficient to determine the role of this variant in disease. Therefore, it has been classified as a Variant of Uncertain Significance.

Literature cited by the submitters: PubMed 37744338 (cited by Genomenon, Inc and Labcorp Genetics (formerly Invitae), Labcorp); PubMed 33609329 (cited by Genomenon, Inc and Labcorp Genetics (formerly Invitae), Labcorp); PubMed 29566171 (cited by Genomenon, Inc and Labcorp Genetics (formerly Invitae), Labcorp).

NM_000204.5(CFI):c.1547G>T (p.Gly516Val)

Gene: CFI (complement factor I; minus strand). Cytogenetic location: 4q25.
Variant type: single nucleotide variant.
Coding change: c.1547G>T on transcript NM_000204.5 (MANE Select); coding-DNA position 1547, G replaced by T.
Protein change: p.Gly516Val; replaces glycine 516 with valine.
Molecular consequence: missense variant. On other transcripts: non-coding transcript variant (3), intron variant (5).
Genome position (GRCh38, 1-based): chr4:109,741,098, C>A on the plus strand (G>T on the coding strand, the complement: CFI is on the minus strand). VCF-style: chr4-109741098-C-A. GRCh37 (hg19) VCF-style: chr4-110662254-C-A.
Other names: c.1571G>T, p.Gly524Val (NM_001318057.2); c.1526G>T, p.Gly509Val (NM_001331035.2); c.1490G>T, p.Gly497Val (NM_001375283.1); c.938G>T, p.Gly313Val (NM_001375284.1); c.1513+1393G>T (NM_001375282.1, NM_001375280.1); c.1534+1393G>T (NM_001375281.1, NM_001375279.1); c.1558+1393G>T (NM_001375278.1); short protein forms G313V, G497V, G509V, G516V, G524V.
Identifiers: ClinVar variation 1431614 (VCV001431614.8), dbSNP rs764347930, ClinGen allele CA3041862.